The following is an entry in ClinVar:

ClinVar aggregate classification (germline): Uncertain significance (1 of 4 stars; one submission).

Conditions:
Holoprosencephaly 3 (HPE3). Identifiers: Orphanet 2162, MedGen C1840529, MONDO:0007733, OMIM 142945.

Submission:

Labcorp Genetics (formerly Invitae), Labcorp
Classification: Uncertain significance for Holoprosencephaly 3. Last evaluated: 2022-06-23. Review status: criteria provided, single submitter. Criteria: Invitae Variant Classification Sherloc (09022015). Collection method: clinical testing. Allele origin: germline.
Comment: A copy number gain of the genomic region encompassing the full coding sequence of the SHH gene has been identified. The boundaries of this event are unknown as they extend beyond the assayed region for this gene and therefore may encompass additional genes. As the precise location of this event is unknown, it may be in tandem or it may be located elsewhere in the genome. Isolated whole-gene copy number gains of SHH have not been reported in the literature. However, larger copy number events that include this gene have been reported (PMID: 22354285, 22683912, 28284480, 28588853, 29983323, 32677110). In summary, the available evidence is currently insufficient to determine the role of this variant in disease. Therefore, it has been classified as a Variant of Uncertain Significance.

Literature cited by the submitters: PubMed 22354285; PubMed 22683912; PubMed 28284480; PubMed 28588853; PubMed 29983323; PubMed 32677110.

NC_000007.13:g.(?_155595594)_(157208792_?)dup

Genes: DNAJB6 (DnaJ heat shock protein family (Hsp40) member B6; plus strand), LMBR1 (limb development membrane protein 1; minus strand), MNX1 (motor neuron and pancreas homeobox 1; minus strand), NOM1 (nucleolar protein with MIF4G domain 1; plus strand), RNF32 (ring finger protein 32; plus strand) and 2 more. Cytogenetic location: 7q36.3.
Variant type: Duplication.
Identifiers: ClinVar variation 1436808 (VCV001436808.37).